The following is an entry in ClinVar:

NM_025179.4(PLXNA2):c.2403del (p.Tyr802fs)

Gene: PLXNA2 (plexin A2; minus strand). Cytogenetic location: 1q32.2.
Variant type: Deletion.
Coding change: c.2403del on transcript NM_025179.4 (MANE Select); coding-DNA position 2403, one base deleted (C; older notation c.2403delC).
Protein change: p.Tyr802fs; shifts the reading frame from tyrosine 802.
Molecular consequence: frameshift variant.
Genome position (GRCh38, 1-based): chr1:208,079,443, G deleted on the plus strand (C on the coding strand, the reverse complement: PLXNA2 is on the minus strand). VCF-style (leftmost placement, unchanged base first): chr1-208079442-AG-A. GRCh37 (hg19) VCF-style: chr1-208252787-AG-A.
Other names: short protein forms Y802fs.
Identifiers: ClinVar variation 3344413 (VCV003344413.1).

ClinVar aggregate classification (germline): Uncertain significance (0 of 4 stars; one submission).

Conditions:
PLXNA2-related disorder. Also called: PLXNA2-related condition.

Submission:

PreventionGenetics, part of Exact Sciences
Classification: Uncertain significance for PLXNA2-related condition. Last evaluated: 2024-08-05. Review status: no assertion criteria provided. Collection method: clinical testing. Allele origin: germline.
Comment: The PLXNA2 c.2403delC variant is predicted to result in a frameshift and premature protein termination (p.Tyr802Thrfs*63). To our knowledge, this variant has not been reported in the literature or in a large population database, indicating this variant is rare. Loss of function has not been conclusively established as a mechanism for PLXNA2-related disorders. At this time, the clinical significance of this variant is uncertain due to the absence of conclusive functional and genetic evidence.